The following is an entry in ClinVar:

ClinVar aggregate classification (germline): Uncertain significance (1 of 4 stars; one submission).

Submission:

Ambry Genetics
Classification: Uncertain significance. Last evaluated: 2026-02-19. Review status: criteria provided, single submitter. Criteria: Ambry Variant Classification Scheme 2023. Collection method: clinical testing. Allele origin: germline.
Comment: The c.2129A>G (p.H710R) alteration is located in coding exon 13 of the EEF2 gene. This alteration results from a A to G substitution at nucleotide position 2129, causing the histidine (H) at amino acid position 710 to be replaced by an arginine (R). This variant was not reported in population-based cohorts in the Genome Aggregation Database (gnomAD). This amino acid position is highly conserved in available vertebrate species. This alteration is predicted to be deleterious by in silico analysis. Based on insufficient or conflicting evidence, the clinical significance of this alteration remains unclear.

NM_001961.4(EEF2):c.2129A>G (p.His710Arg)

Genes: EEF2 (eukaryotic translation elongation factor 2; minus strand), LOC130063169 (ATAC-STARR-seq lymphoblastoid active region 13746; plus strand). Cytogenetic location: 19p13.3.
Variant type: single nucleotide variant.
Coding change: c.2129A>G on transcript NM_001961.4 (MANE Select); coding-DNA position 2129, A replaced by G.
Protein change: p.His710Arg; replaces histidine 710 with arginine.
Molecular consequence: missense variant.
Genome position (GRCh38, 1-based): chr19:3,977,549, T>C on the plus strand (A>G on the coding strand, the complement: EEF2 is on the minus strand). VCF-style: chr19-3977549-T-C. GRCh37 (hg19) VCF-style: chr19-3977547-T-C.
Other names: short protein forms H710R.
Identifiers: ClinVar variation 4828087 (VCV004828087.1).